The following is an entry in ClinVar:

ClinVar aggregate classification (germline): Uncertain significance (1 of 4 stars; one submission).

Allele frequency attached by ClinVar (database versions not stated): gnomAD 0.00001; TOPMed 0.00001; ESP Exome Variant Server 0.00008; gnomAD exomes below 0.00001.

Submission:

Labcorp Genetics (formerly Invitae), Labcorp
Classification: Uncertain significance. Last evaluated: 2022-07-23. Review status: criteria provided, single submitter. Criteria: Invitae Variant Classification Sherloc (09022015). Collection method: clinical testing. Allele origin: germline.
Comment: This sequence change replaces glycine, which is neutral and non-polar, with glutamic acid, which is acidic and polar, at codon 106 of the COL9A1 protein (p.Gly106Glu). This variant is present in population databases (rs142447527, gnomAD 0.0009%). This variant has not been reported in the literature in individuals affected with COL9A1-related conditions. ClinVar contains an entry for this variant (Variation ID: 1511099). Advanced modeling of protein sequence and biophysical properties (such as structural, functional, and spatial information, amino acid conservation, physicochemical variation, residue mobility, and thermodynamic stability) performed at Invitae indicates that this missense variant is not expected to disrupt COL9A1 protein function. In summary, the available evidence is currently insufficient to determine the role of this variant in disease. Therefore, it has been classified as a Variant of Uncertain Significance.

NM_001851.6(COL9A1):c.317G>A (p.Gly106Glu)

Gene: COL9A1 (collagen type IX alpha 1 chain; minus strand). Cytogenetic location: 6q13.
Variant type: single nucleotide variant.
Coding change: c.317G>A on transcript NM_001851.6 (MANE Select); coding-DNA position 317, G replaced by A.
Protein change: p.Gly106Glu; replaces glycine 106 with glutamic acid.
Molecular consequence: missense variant.
Genome position (GRCh38, 1-based): chr6:70,294,546, C>T on the plus strand (G>A on the coding strand, the complement: COL9A1 is on the minus strand). VCF-style: chr6-70294546-C-T. GRCh37 (hg19) VCF-style: chr6-71004249-C-T.
Other names: c.317G>A, p.Gly106Glu (NM_001377291.1); short protein forms G106E.
Identifiers: ClinVar variation 1511099 (VCV001511099.8), dbSNP rs142447527, ClinGen allele CA140824531.